The following is an entry in ClinVar:

ClinVar aggregate classification (germline): Pathogenic (1 of 4 stars; one submission).

Conditions:
Diffuse cerebral and cerebellar atrophy - intractable seizures - progressive microcephaly syndrome. Also called: Microcephaly, progressive, with seizures and cerebral and cerebellar atrophy. Identifiers: Orphanet 404437, MedGen C4014239, MONDO:0014335, OMIM 615760.

Submission:

Labcorp Genetics (formerly Invitae), Labcorp
Classification: Pathogenic for Diffuse cerebral and cerebellar atrophy - intractable seizures - progressive microcephaly syndrome. Last evaluated: 2018-09-17. Review status: criteria provided, single submitter. Criteria: Invitae Variant Classification Sherloc (09022015). Collection method: clinical testing. Allele origin: germline.
Comment: For these reasons, this variant has been classified as Pathogenic. Loss-of-function variants in QARS are known to be pathogenic (PMID: 25471517). This variant has not been reported in the literature in individuals with QARS-related disease. This variant is not present in population databases (ExAC no frequency). This sequence change creates a premature translational stop signal (p.Thr564Serfs*34) in the QARS gene. It is expected to result in an absent or disrupted protein product.

Literature cited by the submitters: PubMed 25471517.

NM_005051.3(QARS1):c.1691_1692del (p.Thr564fs)

Gene: QARS1 (glutaminyl-tRNA synthetase 1; minus strand). Cytogenetic location: 3p21.31.
Variant type: Microsatellite.
Coding change: c.1691_1692del on transcript NM_005051.3 (MANE Select); coding-DNA positions 1691 to 1692, 2 bases deleted (CA; older notation c.1691_1692delCA).
Protein change: p.Thr564fs; shifts the reading frame from threonine 564.
Molecular consequence: frameshift variant. On other transcripts: non-coding transcript variant (1).
Genome position (GRCh38, 1-based): chr3:49,099,176-49,099,177, TG deleted on the plus strand (CA on the coding strand, the reverse complement: QARS1 is on the minus strand); deleting any 2 consecutive bases within chr3:49,099,176-49,099,180 gives the same sequence; the c. name uses the placement nearest the transcript's 3' end. VCF-style (leftmost placement, unchanged base first): chr3-49099175-CTG-C. GRCh37 (hg19) VCF-style: chr3-49136608-CTG-C.
Other names: c.1658_1659del, p.Thr553fs (NM_001272073.2); short protein forms T564fs, T553fs.
Identifiers: ClinVar variation 580993 (VCV000580993.7), dbSNP rs1559966797, ClinGen allele CA891843044.